The following is an entry in ClinVar:

NM_024529.5(CDC73):c.1384C>T (p.Pro462Ser)

Gene: CDC73 (cell division cycle 73; plus strand). Cytogenetic location: 1q31.2.
Variant type: single nucleotide variant.
Coding change: c.1384C>T on transcript NM_024529.5 (MANE Select); coding-DNA position 1384, C replaced by T.
Protein change: p.Pro462Ser; replaces proline 462 with serine.
Molecular consequence: missense variant.
Genome position (GRCh38, 1-based): chr1:193,236,323, C>T. VCF-style: chr1-193236323-C-T. GRCh37 (hg19) VCF-style: chr1-193205453-C-T.
Other names: short protein forms P462S.
Identifiers: ClinVar variation 531646 (VCV000531646.15), dbSNP rs1199579887, ClinGen allele CA344078243.

ClinVar aggregate classification (germline): Uncertain significance. Review status: criteria provided, multiple submitters, no conflicts (2 of 4 stars). 3 submissions from 3 submitters: Uncertain significance (3). Last evaluated 2024-11-14.

Conditions:
Hyperparathyroidism 1 (HRPT1). Also called: HYPERPARATHYROIDISM, FAMILIAL ISOLATED PRIMARY. Identifiers: Orphanet 99879, MedGen C1840402, MONDO:0007767, OMIM 145000.
Parathyroid carcinoma (PRTC). Also called: Parathyroid gland carcinoma; CDC73-Related Parathyroid Carcinoma. Identifiers: Orphanet 143, MedGen C0687150, MONDO:0012004, OMIM 608266, HP:0006780.
Hereditary cancer-predisposing syndrome. Also called: Hereditary neoplastic syndrome; Neoplastic Syndromes, Hereditary; Tumor predisposition; Hereditary Cancer Syndrome. Identifiers: Orphanet 140162, MedGen C0027672, MeSH D009386, MONDO:0015356.

Allele frequency attached by ClinVar (database versions not stated): gnomAD exomes 0.00002; TOPMed 0.00003.
gnomAD v4.1: 22 of 1,612,216 alleles (0.0014%); highest among the groups gnomAD compares: Non-Finnish European, 0.0019%; no homozygotes.

Submissions (3):

Ambry Genetics
Classification: Uncertain significance for Hereditary cancer-predisposing syndrome. Last evaluated: 2024-11-14. Review status: criteria provided, single submitter. Criteria: Ambry Variant Classification Scheme 2023. Collection method: clinical testing. Allele origin: germline.
Comment: The p.P462S variant (also known as c.1384C>T), located in coding exon 15 of the CDC73 gene, results from a C to T substitution at nucleotide position 1384. The proline at codon 462 is replaced by serine, an amino acid with similar properties. This amino acid position is highly conserved in available vertebrate species. In addition, the in silico prediction for this alteration is inconclusive. Since supporting evidence is limited at this time, the clinical significance of this alteration remains unclear.

Labcorp Genetics (formerly Invitae), Labcorp
Classification: Uncertain significance for Parathyroid carcinoma. Last evaluated: 2024-01-10. Review status: criteria provided, single submitter. Criteria: Invitae Variant Classification Sherloc (09022015). Collection method: clinical testing. Allele origin: germline.
Comment: This sequence change replaces proline, which is neutral and non-polar, with serine, which is neutral and polar, at codon 462 of the CDC73 protein (p.Pro462Ser). This variant is not present in population databases (gnomAD no frequency). This variant has not been reported in the literature in individuals affected with CDC73-related conditions. ClinVar contains an entry for this variant (Variation ID: 531646). An algorithm developed to predict the effect of missense changes on protein structure and function (PolyPhen-2) suggests that this variant is likely to be tolerated. In summary, the available evidence is currently insufficient to determine the role of this variant in disease. Therefore, it has been classified as a Variant of Uncertain Significance.

Baylor Genetics
Classification: Uncertain significance for Hyperparathyroidism 1. Last evaluated: 2023-05-01. Review status: criteria provided, single submitter. Criteria: ACMG Guidelines, 2015. Collection method: clinical testing. Allele origin: unknown.